The following is an entry in ClinVar:

NM_001375765.1(GIGYF1):c.2748G>A (p.Thr916=)

Gene: GIGYF1 (GRB10 interacting GYF protein 1; minus strand). Cytogenetic location: 7q22.1.
Variant type: single nucleotide variant.
Coding change: c.2748G>A on transcript NM_001375765.1 (MANE Select); coding-DNA position 2748, G replaced by A.
Protein change: p.Thr916=; no amino-acid change (threonine 916 retained).
Molecular consequence: synonymous variant. On other transcripts: non-coding transcript variant (1).
Genome position (GRCh38, 1-based): chr7:100,682,335, C>T on the plus strand (G>A on the coding strand, the complement: GIGYF1 is on the minus strand). VCF-style: chr7-100682335-C-T. GRCh37 (hg19) VCF-style: chr7-100279958-C-T.
Other names: c.2748G>A, p.Thr916= (NM_001375759.1, NM_001375760.1, NM_001375761.1 and 5 more transcripts); c.2745G>A, p.Thr915= (NM_001375768.1).
Identifiers: ClinVar variation 4821442 (VCV004821442.5).

ClinVar aggregate classification (germline): Likely benign. Review status: criteria provided, multiple submitters, no conflicts (2 of 4 stars). 2 submissions from 2 submitters: Likely benign (2). Last evaluated 2026-09-01.

gnomAD v4.1: 48 of 1,612,368 alleles (0.003%); highest among the groups gnomAD compares: Non-Finnish European, 0.0036%; no homozygotes.

Submissions (2):

CeGaT Center for Human Genetics Tuebingen
Classification: Likely benign. Last evaluated: 2026-09-01. Review status: criteria provided, single submitter. Criteria: CeGaT Center For Human Genetics Tuebingen Variant Classification Criteria Version 2. Collection method: clinical testing. Allele origin: germline. Affected: yes. Observed: 2 variant alleles.
Comment: GIGYF1: BP4, BP7

Blueprint Genetics
Classification: Likely benign. Last evaluated: 2021-10-16. Review status: criteria provided, single submitter. Criteria: ACMG Guidelines, 2015. Collection method: clinical testing. Allele origin: germline.